The following is an entry in ClinVar:

ClinVar aggregate classification (germline): Pathogenic (1 of 4 stars; one submission).

Submission:

GeneDx
Classification: Pathogenic. Last evaluated: 2018-10-04. Review status: criteria provided, single submitter. Criteria: GeneDx Variant Classification (06012015). Collection method: clinical testing. Allele origin: germline. Affected: yes.
Comment: The c.442delG variant in the RPS6KA3 gene has not been published as a pathogenic variant, nor has it been reported as a benign variant to our knowledge. The c.442delG variant causes a frameshift starting with codon Aspartic acid 148, changes this amino acid to an Isoleucine residue, and creates a premature Stop codon at position 16 of the new reading frame, denoted p.Asp148IlefsX16. This variant is predicted to cause loss of normal protein function either through protein truncation or nonsense-mediated mRNA decay. This variant is not observed in large population cohorts (Lek et al., 2016). Therefore, we interpret c.442delG as a pathogenic variant.

NM_004586.3(RPS6KA3):c.442del (p.Asp148fs)

Gene: RPS6KA3 (ribosomal protein S6 kinase A3; minus strand). Cytogenetic location: Xp22.12.
Variant type: Deletion.
Coding change: c.442del on transcript NM_004586.3 (MANE Select); coding-DNA position 442, one base deleted (G; older notation c.442delG).
Protein change: p.Asp148fs; shifts the reading frame from aspartic acid 148.
Molecular consequence: frameshift variant.
Genome position (GRCh38, 1-based): chrX:20,194,233, C deleted on the plus strand (G on the coding strand, the reverse complement: RPS6KA3 is on the minus strand); the first of 2 consecutive C bases (chrX:20,194,233-20,194,234); deleting either gives the same sequence. VCF-style (leftmost placement, unchanged base first): chrX-20194232-TC-T. GRCh37 (hg19) VCF-style: chrX-20212350-TC-T.
Other names: short protein forms D148fs.
Identifiers: ClinVar variation 817284 (VCV000817284.1), dbSNP rs1603426296, ClinGen allele CA915952356.
Genomic context (GRCh38, chrX:20,194,232, plus strand): 5'-AGAGATTAATTATATACCTCTTTGGATAAGCGTGTAAACAAATCTCCTCCCCTGAGAAAA[TC>T]CAAAATAAGATACAACTTCCCTTCAGTTTGAAAAGCTGAATGAAGAAATGAAAATTTTCA-3'